The following is an entry in ClinVar:

NM_004006.3(DMD):c.10262+3G>T

Gene: DMD (dystrophin; minus strand). Cytogenetic location: Xp21.2.
Variant type: single nucleotide variant.
Coding change: c.10262+3G>T on transcript NM_004006.3 (MANE Select); 3 bases into the intron after coding-DNA position 10262, G replaced by T.
Molecular consequence: intron variant.
Genome position (GRCh38, 1-based): chrX:31,177,929, C>A on the plus strand (G>T on the coding strand, the complement: DMD is on the minus strand). VCF-style: chrX-31177929-C-A. GRCh37 (hg19) VCF-style: chrX-31196046-C-A.
Other names: c.10238+3G>T (NM_000109.4); c.6239+3G>T (NM_004011.4); c.6230+3G>T (NM_004012.4); c.2843+740G>T (NM_004023.3, NM_004020.4, NM_004022.3); c.2882+3G>T (NM_004021.3, NM_004013.3); c.2075+3G>T (NM_004014.3); c.1019+740G>T (NM_004018.3, NM_004017.3); c.1058+3G>T (NM_004016.3, NM_004015.3); and 2 more.
Identifiers: ClinVar variation 4538575 (VCV004538575.2).

ClinVar aggregate classification (germline): Uncertain significance (1 of 4 stars; one submission).

gnomAD v4.1: 3 of 1,205,589 alleles (0.00025%); highest among the groups gnomAD compares: South Asian, 0.0053%; no homozygotes.

Submission:

GeneDx
Classification: Uncertain significance. Last evaluated: 2026-05-28. Review status: criteria provided, single submitter. Criteria: GeneDx Variant Classification Process June 2021. Collection method: clinical testing. Allele origin: germline.
Comment: Not observed at significant frequency in large population cohorts (gnomAD); In silico analysis supports a deleterious effect on splicing; Has not been previously published as pathogenic or benign to our knowledge